The following is an entry in ClinVar:

NC_000022.10:g.(?_17659679)_(17663652_17669228)dup

Gene: ADA2 (adenosine deaminase 2; minus strand). Cytogenetic location: 22q11.1.
Variant type: Duplication.
Identifiers: ClinVar variation 3233886 (VCV003233886.2).

ClinVar aggregate classification (germline): Uncertain significance (1 of 4 stars; one submission).

Submission:

Women's Health and Genetics/Laboratory Corporation of America, LabCorp
Classification: Uncertain significance. Last evaluated: 2024-03-19. Review status: criteria provided, single submitter. Criteria: LabCorp Variant Classification Summary - May 2015. Collection method: clinical testing. Allele origin: germline.
Comment: Variant summary: The variant involves the duplication of exons 8-10 in the CECR1 gene. A presumed nomenclature of c.(1081+1_1082-1)_(*2694_?)dup has been designated for the purposes of this classification. The exact breakpoint at the 3' end of this variant is unknown, therefore this duplication may extend downstream of the annotated region of the gene. As it duplicates the termination codon, its effect on the encoded protein is unknown. The variant was absent in 21582 control chromosomes (gnomAD, Structural Variants Dataset). The available data on variant occurrences in the general population are insufficient to allow any conclusion about variant significance. To our knowledge, no occurrence of c.(1081+1_1082-1)_(*2694_?)dup in individuals affected with Polyarteritis Nodosa, Childhoood-Onset and no experimental evidence demonstrating its impact on protein function have been reported. ClinVar contains an entry for this variant (Variation ID: 583739). Based on the evidence outlined above, the variant was classified as uncertain significance.